The following is an entry in ClinVar:

ClinVar aggregate classification (germline): Conflicting classifications of pathogenicity. Review status: criteria provided, conflicting classifications (1 of 4 stars). 3 submissions from 3 submitters: Likely pathogenic (2); Uncertain significance (1). Last evaluated 2025-11-07.

Conditions:
Medium-chain acyl-coenzyme A dehydrogenase deficiency (ACADMD). Also called: ACADM DEFICIENCY; MCADH DEFICIENCY; CARNITINE DEFICIENCY SECONDARY TO MEDIUM-CHAIN ACYL-CoA DEHYDROGENASE DEFICIENCY; Medium chain acyl-CoA dehydrogenase deficiency; MCADD; MCAD Deficiency. Identifiers: Orphanet 42, MedGen C0220710, MONDO:0008721, OMIM 201450.

Submissions (3):

Women's Health and Genetics/Laboratory Corporation of America, LabCorp
Classification: Uncertain significance. Last evaluated: 2025-11-07. Review status: criteria provided, single submitter. Criteria: LabCorp Variant Classification Summary - May 2015. Collection method: clinical testing. Allele origin: germline.
Comment: Variant summary: ACADM c.555T>G (p.Ile185Met) results in a conservative amino acid change in the encoded protein sequence. Algorithms developed to predict the effect of missense changes on protein structure and function are either unavailable or do not agree on the potential impact of this missense change. The variant was absent in 251418 control chromosomes. c.555T>G has been observed in an individual affected with Medium Chain Acyl-CoA Dehydrogenase Deficiency (Tajima_2016). These data do not allow any conclusion about variant significance. To our knowledge, no experimental evidence demonstrating an impact on protein function has been reported. The following publication have been ascertained in the context of this evaluation (PMID: 27856190). ClinVar contains an entry for this variant (Variation ID: 940188). Based on the evidence outlined above, the variant was classified as VUS-possibly pathogenic.

Natera, Inc.
Classification: Likely pathogenic for Medium Chain Acyl-CoA Dehydrogenase Deficiency. Last evaluated: 2024-12-27. Review status: criteria provided, single submitter. Criteria: Natera Variant Classification Schema (03/2026). Collection method: clinical testing. Allele origin: germline.
Comment: The c.555T>G variant in ACADM is a missense variant predicted to cause substitution of isoleucine to methionine at amino acid 185. This variant is rare in the general population with a frequency below the threshold expected for the associated phenotype(s). This variant has been observed in one or more individuals affected with the associated recessive disease, as either homozygous or compound heterozygous with a second variant (PMID: 27856190). This variant has been identified in one or more affected individuals with a phenotype highly consistent with the associated gene (PMID: 27856190). A different variant at the same position has been determined to be Pathogenic or Likely Pathogenic. Computational prediction algorithms indicate this variant is likely to affect gene or protein function. Given the available evidence, this variant is classified as Likely Pathogenic.

Labcorp Genetics (formerly Invitae), Labcorp
Classification: Likely pathogenic for Medium-chain acyl-coenzyme A dehydrogenase deficiency. Last evaluated: 2019-10-18. Review status: criteria provided, single submitter. Criteria: Invitae Variant Classification Sherloc (09022015). Collection method: clinical testing. Allele origin: germline.
Comment: This variant has been observed in combination with another ACADM variant in an individual affected with medium-chain acyl-coenzyme A dehydrogenase deficiency (PMID: 27856190). This variant is not present in population databases (ExAC no frequency). This sequence change replaces isoleucine with methionine at codon 185 of the ACADM protein (p.Ile185Met). The isoleucine residue is highly conserved and there is a small physicochemical difference between isoleucine and methionine. Algorithms developed to predict the effect of missense changes on protein structure and function are either unavailable or do not agree on the potential impact of this missense change (SIFT: "Deleterious"; PolyPhen-2: "Probably Damaging"; Align-GVGD: "Class C0"). In summary, the currently available evidence indicates that the variant is pathogenic, but additional data are needed to prove that conclusively. Therefore, this variant has been classified as Likely Pathogenic. This variant disrupts the p.Ile185 amino acid residue in ACADM. Other variant(s) that disrupt this residue have been determined to be pathogenic (PMID: 20434380). This suggests that this residue is clinically significant, and that variants that disrupt this residue are likely to be disease-causing.

Literature cited by the submitters: PubMed 27856190 (cited by 3 submitters); PubMed 20434380 (cited by Labcorp Genetics (formerly Invitae), Labcorp).

NM_000016.6(ACADM):c.555T>G (p.Ile185Met)

Gene: ACADM (acyl-CoA dehydrogenase medium chain; plus strand). Cytogenetic location: 1p31.1.
Variant type: single nucleotide variant.
Coding change: c.555T>G on transcript NM_000016.6 (MANE Select); coding-DNA position 555, T replaced by G.
Protein change: p.Ile185Met; replaces isoleucine 185 with methionine.
Molecular consequence: missense variant. On other transcripts: 5 prime UTR variant (1).
Genome position (GRCh38, 1-based): chr1:75,740,066, T>G. VCF-style: chr1-75740066-T-G. GRCh37 (hg19) VCF-style: chr1-76205751-T-G.
Other names: c.567T>G, p.Ile189Met (NM_001127328.3); c.447T>G, p.Ile149Met (NM_001286042.2); c.654T>G, p.Ile218Met (NM_001286043.2); c.-13T>G (NM_001286044.2); short protein forms I149M, I185M, I218M, I189M.
Identifiers: ClinVar variation 940188 (VCV000940188.10), dbSNP rs1647481193, ClinGen allele CA340815313.